The following is an entry in ClinVar:

ClinVar aggregate classification (germline): Uncertain significance (1 of 4 stars; one submission).

Conditions:
Charcot-Marie-Tooth Neuropathy X. Identifiers: MedGen CN118851.
Combined oxidative phosphorylation deficiency. Identifiers: MedGen C4540031, MONDO:0000732.

Allele frequency attached by ClinVar (database versions not stated): TOPMed below 0.00001; ExAC 0.00001; gnomAD exomes below 0.00001; gnomAD 0.00001.
gnomAD v4.1: 4 of 1,208,541 alleles (0.00033%); highest among the groups gnomAD compares: East Asian, 0.0089%; no homozygotes.

Submission:

Labcorp Genetics (formerly Invitae), Labcorp
Classification: Uncertain significance for Charcot-Marie-Tooth Neuropathy X; Combined oxidative phosphorylation deficiency. Last evaluated: 2025-12-18. Review status: criteria provided, single submitter. Criteria: Invitae Variant Classification Sherloc (09022015). Collection method: clinical testing. Allele origin: germline.
Comment: This sequence change replaces isoleucine, which is neutral and non-polar, with threonine, which is neutral and polar, at codon 220 of the AIFM1 protein (p.Ile220Thr). This variant is present in population databases (rs758085497, gnomAD 0.008%). This variant has not been reported in the literature in individuals affected with AIFM1-related conditions. ClinVar contains an entry for this variant (Variation ID: 2046037). Invitae Evidence Modeling of protein sequence and biophysical properties (such as structural, functional, and spatial information, amino acid conservation, physicochemical variation, residue mobility, and thermodynamic stability) indicates that this missense variant is not expected to disrupt AIFM1 protein function with a negative predictive value of 80%. In summary, the available evidence is currently insufficient to determine the role of this variant in disease. Therefore, it has been classified as a Variant of Uncertain Significance.

NM_004208.4(AIFM1):c.659T>C (p.Ile220Thr)

Genes: AIFM1 (apoptosis inducing factor mitochondria associated 1; minus strand), RAB33A (RAB33A, member RAS oncogene family; plus strand). Cytogenetic location: Xq26.1.
Variant type: single nucleotide variant.
Coding change: c.659T>C on transcript NM_004208.4 (MANE Select); coding-DNA position 659, T replaced by C.
Protein change: p.Ile220Thr; replaces isoleucine 220 with threonine.
Molecular consequence: missense variant. On other transcripts: non-coding transcript variant (1).
Genome position (GRCh38, 1-based): chrX:130,145,516, A>G on the plus strand (T>C on the coding strand, the complement: AIFM1 is on the minus strand). VCF-style: chrX-130145516-A-G. GRCh37 (hg19) VCF-style: chrX-129279491-A-G.
Other names: c.659T>C, p.Ile220Thr (NM_001130847.4); c.647T>C, p.Ile216Thr (NM_145812.3); short protein forms I216T, I220T.
Identifiers: ClinVar variation 2046037 (VCV002046037.4), dbSNP rs758085497, ClinGen allele CA10515421.